The following is an entry in ClinVar:

ClinVar aggregate classification (germline): Uncertain significance (1 of 4 stars; one submission).

Conditions:
Severe combined immunodeficiency due to DNA-PKcs deficiency. Also called: Immunodeficiency 26 with or without neurologic abnormalities; IMMUNODEFICIENCY 26 WITH NEUROLOGIC ABNORMALITIES. Identifiers: Orphanet 317425, MedGen C4014833, MONDO:0014423, OMIM 615966.

Allele frequency attached by ClinVar (database versions not stated): TOPMed 0.00001; gnomAD exomes 0.00002 and 0.00005; ExAC 0.00005.
gnomAD v4.1: 29 of 1,613,928 alleles (0.0018%); highest among the groups gnomAD compares: East Asian, 0.018%; no homozygotes.

Submission:

Labcorp Genetics (formerly Invitae), Labcorp
Classification: Uncertain significance for Severe combined immunodeficiency due to DNA-PKcs deficiency. Last evaluated: 2024-09-22. Review status: criteria provided, single submitter. Criteria: Invitae Variant Classification Sherloc (09022015). Collection method: clinical testing. Allele origin: germline.
Comment: This sequence change replaces arginine, which is basic and polar, with cysteine, which is neutral and slightly polar, at codon 2404 of the PRKDC protein (p.Arg2404Cys). This variant is present in population databases (rs768108353, gnomAD 0.05%). This variant has not been reported in the literature in individuals affected with PRKDC-related conditions. ClinVar contains an entry for this variant (Variation ID: 1390647). Invitae Evidence Modeling of protein sequence and biophysical properties (such as structural, functional, and spatial information, amino acid conservation, physicochemical variation, residue mobility, and thermodynamic stability) indicates that this missense variant is not expected to disrupt PRKDC protein function with a negative predictive value of 80%. In summary, the available evidence is currently insufficient to determine the role of this variant in disease. Therefore, it has been classified as a Variant of Uncertain Significance.

NM_006904.7(PRKDC):c.7210C>T (p.Arg2404Cys)

Gene: PRKDC (protein kinase, DNA-activated, catalytic subunit; minus strand). Cytogenetic location: 8q11.21.
Variant type: single nucleotide variant.
Coding change: c.7210C>T on transcript NM_006904.7 (MANE Select); coding-DNA position 7210, C replaced by T.
Protein change: p.Arg2404Cys; replaces arginine 2404 with cysteine.
Molecular consequence: missense variant.
Genome position (GRCh38, 1-based): chr8:47,849,224, G>A on the plus strand (C>T on the coding strand, the complement: PRKDC is on the minus strand). VCF-style: chr8-47849224-G-A. GRCh37 (hg19) VCF-style: chr8-48761785-G-A.
Other names: c.7210C>T, p.Arg2404Cys (NM_001081640.2); short protein forms R2404C.
Identifiers: ClinVar variation 1390647 (VCV001390647.5), dbSNP rs768108353, ClinGen allele CA4740157.